The following is an entry in ClinVar:

ClinVar aggregate classification (germline): Benign. Review status: reviewed by expert panel (3 of 4 stars). 44 submissions from 43 submitters: Benign (1). 43 of the submissions do not count toward it. Last evaluated 2015-08-10.

Conditions:
Breast and/or ovarian cancer. Identifiers: MedGen CN221562.
Hereditary cancer-predisposing syndrome. Also called: Neoplastic Syndromes, Hereditary; Hereditary neoplastic syndrome; Hereditary Cancer Syndrome; Tumor predisposition. Identifiers: Orphanet 140162, MedGen C0027672, MeSH D009386, MONDO:0015356.
Hereditary breast ovarian cancer syndrome. Also called: Hereditary breast and ovarian cancer syndrome (HBOC); Breast and ovarian cancer; BRCA1- and BRCA2-Associated Hereditary Breast and Ovarian Cancer; Hereditary breast and ovarian cancer syndrome; Hereditary breast and ovarian cancer; Hereditary breast and/or ovarian cancer syndrome. Identifiers: Orphanet 145, MedGen C0677776, MeSH D061325, MONDO:0003582. Disease mechanism: loss of function.
Breast-ovarian cancer, familial, susceptibility to, 2 (BROVCA2). Also called: BRCA2 Hereditary Breast and Ovarian Cancer. Identifiers: Orphanet 145, MedGen C2675520, MONDO:0012933, OMIM 612555. Disease mechanism: loss of function.
Familial cancer of breast. Also called: Hereditary breast cancer; hereditary breast carcinoma; BREAST CANCER, FAMILIAL. Identifiers: Orphanet 227535, MedGen C0346153, MONDO:0016419, OMIM 114480. Disease mechanism: loss of function.
Malignant tumor of breast. Also called: Malignant breast neoplasm; Cancer breast. Identifiers: MedGen C0006142, MONDO:0007254. Disease mechanism: loss of function.

Allele frequency attached by ClinVar (database versions not stated): 1000 Genomes Project 30x 0.00359; ESP Exome Variant Server 0.00396; gnomAD 0.00604 and 0.00609; 1000 Genomes Project 0.00399; TOPMed 0.00417; gnomAD exomes 0.00654 and 0.00650; ExAC 0.00680.

Submissions 1 to 24 of 44:

Evidence-based Network for the Interpretation of Germline Mutant Alleles (ENIGMA)
Classification: Benign for Breast-ovarian cancer, familial 2. Last evaluated: 2015-08-10. Review status: reviewed by expert panel. Criteria: ENIGMA BRCA1/2 Classification Criteria (2015). Collection method: curation. Allele origin: germline.
Comment: IARC class based on posterior probability from multifactorial likelihood analysis, thresholds for class as per Plon et al. 2008 (PMID: 18951446). Class 1 based on posterior probability = 0.000102

CeGaT Center for Human Genetics Tuebingen
Classification: Likely benign. Last evaluated: 2026-07-01. Review status: criteria provided, single submitter. Criteria: CeGaT Center For Human Genetics Tuebingen Variant Classification Criteria Version 2. Collection method: clinical testing. Allele origin: germline. Affected: yes. Observed: 106 variant alleles. Not counted in ClinVar's aggregate classification.
Comment: BRCA2: BP4, BS2

Labcorp Genetics (formerly Invitae), Labcorp
Classification: Benign for Hereditary breast ovarian cancer syndrome. Last evaluated: 2026-02-04. Review status: criteria provided, single submitter. Criteria: Invitae Variant Classification Sherloc (09022015). Collection method: clinical testing. Allele origin: germline. Not counted in ClinVar's aggregate classification.

ARUP Laboratories, Molecular Genetics and Genomics, ARUP Laboratories
Classification: Benign. Last evaluated: 2025-07-02. Review status: criteria provided, single submitter. Criteria: ARUP Molecular Germline Variant Investigation Process 2024. Collection method: clinical testing. Allele origin: germline. Not counted in ClinVar's aggregate classification.

Center for Genomic Medicine, Rigshospitalet, Copenhagen University Hospital
Classification: Benign. Last evaluated: 2025-03-04. Review status: criteria provided, single submitter. Criteria: ACMG Guidelines, 2015. Collection method: clinical testing. Allele origin: germline. Not counted in ClinVar's aggregate classification.

KCCC/NGS Laboratory, Kuwait Cancer Control Center
Classification: Benign for Familial cancer of breast. Last evaluated: 2025-02-01. Review status: criteria provided, single submitter. Criteria: ACMG Guidelines, 2015. Collection method: clinical testing. Allele origin: germline. Affected: no. Not counted in ClinVar's aggregate classification.

Blueprint Genetics
Classification: Benign. Last evaluated: 2024-11-27. Review status: criteria provided, single submitter. Criteria: ACMG Guidelines, 2015. Collection method: clinical testing. Allele origin: germline. Not counted in ClinVar's aggregate classification.

KCCC/NGS Laboratory, Kuwait Cancer Control Center
Classification: Benign for Breast-ovarian cancer, familial, susceptibility to, 2. Last evaluated: 2023-07-07. Review status: criteria provided, single submitter. Criteria: ACMG Guidelines, 2015. Collection method: clinical testing. Allele origin: germline. Affected: yes. Not counted in ClinVar's aggregate classification.

National Health Laboratory Service, Universitas Academic Hospital and University of the Free State
Classification: Benign for Hereditary breast ovarian cancer syndrome. Last evaluated: 2021-11-16. Review status: criteria provided, single submitter. Criteria: ACMG Guidelines, 2015. Collection method: clinical testing. Allele origin: germline. Affected: yes. Observed: 1 variant allele. Not counted in ClinVar's aggregate classification.

Genetics Program, Instituto Nacional de Cancer
Classification: Benign for Hereditary breast ovarian cancer syndrome. Last evaluated: 2021-11-01. Review status: criteria provided, single submitter. Criteria: ACMG Guidelines, 2015. Collection method: research. Allele origin: germline. Affected: yes. Not counted in ClinVar's aggregate classification.

Sema4
Classification: Benign for Hereditary cancer-predisposing syndrome. Last evaluated: 2020-03-26. Review status: criteria provided, single submitter. Criteria: Sema4 Curation Guidelines. Collection method: curation. Allele origin: germline. Not counted in ClinVar's aggregate classification.

Mendelics
Classification: Likely benign for Breast-ovarian cancer, familial, susceptibility to, 2. Last evaluated: 2019-05-28. Review status: criteria provided, single submitter. Criteria: Mendelics Assertion Criteria 2017. Collection method: clinical testing. Allele origin: unknown. Not counted in ClinVar's aggregate classification.

Illumina Laboratory Services, Illumina
Classification: Likely benign for Breast-ovarian cancer, familial, susceptibility to, 2. Last evaluated: 2018-02-12. Review status: criteria provided, single submitter. Criteria: ICSL Variant Classification Criteria 13 December 2019. Collection method: clinical testing. Allele origin: germline. Not counted in ClinVar's aggregate classification.
Comment: This variant was observed as part of a predisposition screen in an ostensibly healthy population. A literature search was performed for the gene, cDNA change, and amino acid change (where applicable). Publications were found based on this search. The evidence from the literature, in combination with allele frequency data from public databases where available, was sufficient to determine this variant is unlikely to cause disease. Therefore, this variant is classified as likely benign.

Genetic Services Laboratory, University of Chicago
Classification: Benign. Last evaluated: 2017-12-04. Review status: criteria provided, single submitter. Criteria: ACMG Guidelines, 2015. Collection method: clinical testing. Allele origin: germline. Affected: no. Not counted in ClinVar's aggregate classification.

PreventionGenetics, part of Exact Sciences
Classification: Benign. Last evaluated: 2017-06-20. Review status: criteria provided, single submitter. Criteria: ACMG Guidelines, 2015. Collection method: clinical testing. Allele origin: germline. Not counted in ClinVar's aggregate classification.

Cancer Genetics and Genomics Laboratory, British Columbia Cancer Agency
Classification: Benign. Last evaluated: 2017-04-18. Review status: criteria provided, single submitter. Criteria: ACMG Guidelines, 2015. Collection method: clinical testing. Allele origin: germline. Study: The Canadian Open Genetics Repository (COGR). Not counted in ClinVar's aggregate classification.

Center for Pediatric Genomic Medicine, Children's Mercy Hospital and Clinics
Classification: Likely benign. Last evaluated: 2017-01-24. Review status: criteria provided, single submitter. Criteria: ACMG Guidelines, 2015. Collection method: clinical testing. Allele origin: germline. Not counted in ClinVar's aggregate classification.
ClinVar note: Converted during submission from Likely Benign to Likely benign.

Vantari Genetics
Classification: Likely benign for Hereditary cancer-predisposing syndrome. Last evaluated: 2016-02-04. Review status: criteria provided, single submitter. Criteria: ACMG Guidelines, 2015. Collection method: clinical testing. Allele origin: germline. Not counted in ClinVar's aggregate classification.

CHEO Genetics Diagnostic Laboratory, Children's Hospital of Eastern Ontario
Classification: Benign for Breast and/or ovarian cancer. Last evaluated: 2016-01-06. Review status: criteria provided, single submitter. Criteria: ACMG Guidelines, 2015. Collection method: clinical testing. Allele origin: germline. Study: Canadian Open Genetics Repository. Not counted in ClinVar's aggregate classification.

Clinical Genetics DNA and cytogenetics Diagnostics Lab, Erasmus MC, Erasmus Medical Center
Classification: Benign for Breast-ovarian cancer, familial, susceptibility to, 2. Last evaluated: 2015-09-21. Review status: criteria provided, single submitter. Criteria: ACGS Guidelines, 2013. Collection method: clinical testing. Allele origin: germline. Affected: yes. Study: VKGL Data-share Consensus. Not counted in ClinVar's aggregate classification.

Fulgent Genetics
Classification: Likely benign for Breast-ovarian cancer, familial, susceptibility to, 2. Last evaluated: 2015-08-26. Review status: criteria provided, single submitter. Criteria: ACMG Guidelines, 2015. Collection method: clinical testing. Allele origin: unknown. Not counted in ClinVar's aggregate classification.

Genomic Diagnostic Laboratory, Division of Genomic Diagnostics, Children's Hospital of Philadelphia
Classification: Benign for Hereditary Breast and Ovarian Cancer. Last evaluated: 2015-08-24. Review status: criteria provided, single submitter. Criteria: DGD Variant Analysis Guidelines. Collection method: clinical testing. Allele origin: unknown. Not counted in ClinVar's aggregate classification.

Color Diagnostics, LLC DBA Color Health
Classification: Benign for Hereditary cancer-predisposing syndrome. Last evaluated: 2015-03-05. Review status: criteria provided, single submitter. Criteria: ACMG Guidelines, 2015. Collection method: clinical testing. Allele origin: germline. Not counted in ClinVar's aggregate classification.

Ambry Genetics
Classification: Benign for Hereditary cancer-predisposing syndrome. Last evaluated: 2014-11-19. Review status: criteria provided, single submitter. Criteria: Ambry Variant Classification Scheme 2023. Collection method: clinical testing. Allele origin: germline. Not counted in ClinVar's aggregate classification.

NM_000059.4(BRCA2):c.4258G>T (p.Asp1420Tyr)

Gene: BRCA2 (BRCA2 DNA repair associated; plus strand). Cytogenetic location: 13q13.1.
Variant type: single nucleotide variant.
Coding change: c.4258G>T on transcript NM_000059.4 (MANE Select); coding-DNA position 4258, G replaced by T.
Protein change: p.Asp1420Tyr; replaces aspartic acid 1420 with tyrosine.
Molecular consequence: missense variant.
Genome position (GRCh38, 1-based): chr13:32,338,613, G>T. VCF-style: chr13-32338613-G-T. GRCh37 (hg19) VCF-style: chr13-32912750-G-T.
Other names: p.D1420Y:GAT>TAT; NP_000050.3:p.Asp1420Tyr; 4486G>T; short protein forms D1420Y.
Identifiers: ClinVar variation 41549 (VCV000041549.130), dbSNP rs28897727, ClinGen allele CA019810.